The following is an entry in ClinVar:

NM_014847.4(UBAP2L):c.964del (p.Thr322fs)

Gene: UBAP2L (ubiquitin associated protein 2 like; plus strand). Cytogenetic location: 1q21.3.
Variant type: Deletion.
Coding change: c.964del on transcript NM_014847.4 (MANE Select); coding-DNA position 964, one base deleted (A; older notation c.964delA).
Protein change: p.Thr322fs; shifts the reading frame from threonine 322.
Molecular consequence: frameshift variant.
Genome position (GRCh38, 1-based): chr1:154,246,325, A deleted. VCF-style (leftmost placement, unchanged base first): chr1-154246324-GA-G. GRCh37 (hg19) VCF-style: chr1-154218800-GA-G.
Other names: c.964del, p.Thr322fs (NM_001375628.1, NM_001375629.1, NM_001375630.1 and 14 more transcripts); c.943del, p.Thr315fs (NM_001287815.1); c.997del, p.Thr333fs (NM_001287816.1, NM_001330730.1, NM_001375612.1 and 2 more transcripts); short protein forms T333fs, T315fs, T322fs.
Identifiers: ClinVar variation 5031560 (VCV005031560.1).
Genomic context (GRCh38, chr1:154,246,324, plus strand): 5'-TCTGGATCCGTCTCAGGCTCCTTCTCTGGCCCAGCCTCTGGTGTTCAGTAATTCGAAGCA[GA>G]CTGCCATATCACAGCCTGCTTCAGGGAACACATTTTCTCATCACAGTATGGTGAGTAGGA-3'

ClinVar aggregate classification (germline): Pathogenic (1 of 4 stars; one submission).

Submission:

Ambry Genetics
Classification: Pathogenic. Last evaluated: 2026-07-23. Review status: criteria provided, single submitter. Criteria: Ambry Variant Classification Scheme 2023. Collection method: clinical testing. Allele origin: germline.
Comment: The c.964delA (p.T322Lfs*18) alteration, located in exon 11 (coding exon 10) of the UBAP2L gene, consists of a deletion of one nucleotide at position 964, causing a translational frameshift with a predicted alternate stop codon after 18 amino acids. This variant is expected to result in loss of function by premature protein truncation or nonsense-mediated mRNA decay. This variant was not reported in population-based cohorts in the Genome Aggregation Database (gnomAD). Based on the available evidence, this alteration is classified as pathogenic.